The following is an entry in ClinVar:

NM_001004334.4(GPR179):c.3341_3348del (p.Gln1114fs)

Gene: GPR179 (G protein-coupled receptor 179; minus strand). Cytogenetic location: 17q12.
Variant type: Deletion.
Coding change: c.3341_3348del on transcript NM_001004334.4 (MANE Select); coding-DNA positions 3341 to 3348, 8 bases deleted (AGAACAGC; older notation c.3341_3348delAGAACAGC).
Protein change: p.Gln1114fs; shifts the reading frame from glutamine 1114.
Molecular consequence: frameshift variant.
Genome position (GRCh38, 1-based): chr17:38,330,221-38,330,228, GCTGTTCT deleted on the plus strand (AGAACAGC on the coding strand, the reverse complement: GPR179 is on the minus strand); deleting any 8 consecutive bases within chr17:38,330,221-38,330,230 gives the same sequence; the c. name uses the placement nearest the transcript's 3' end. VCF-style (leftmost placement, unchanged base first): chr17-38330220-CGCTGTTCT-C. GRCh37 (hg19) VCF-style: chr17-36486103-CGCTGTTCT-C.
Other names: short protein forms Q1114fs.
Identifiers: ClinVar variation 1391213 (VCV001391213.6), dbSNP rs1597663884, ClinGen allele CA919836629.

ClinVar aggregate classification (germline): Uncertain significance (1 of 4 stars; one submission).

Submission:

Labcorp Genetics (formerly Invitae), Labcorp
Classification: Uncertain significance. Last evaluated: 2022-03-09. Review status: criteria provided, single submitter. Criteria: Invitae Variant Classification Sherloc (09022015). Collection method: clinical testing. Allele origin: germline.
Comment: This variant is not present in population databases (gnomAD no frequency). This sequence change creates a premature translational stop signal (p.Gln1114Argfs*24) in the GPR179 gene. While this is not anticipated to result in nonsense mediated decay, it is expected to disrupt the last 1254 amino acid(s) of the GPR179 protein. This variant has not been reported in the literature in individuals affected with GPR179-related conditions. Experimental studies and prediction algorithms are not available or were not evaluated, and the functional significance of this variant is currently unknown. In summary, the available evidence is currently insufficient to determine the role of this variant in disease. Therefore, it has been classified as a Variant of Uncertain Significance.